The following is an entry in ClinVar:

ClinVar aggregate classification (germline): Likely benign. Review status: criteria provided, single submitter (1 of 4 stars). 2 submissions from 2 submitters: Likely benign (1). 1 of the submissions does not count toward it. Last evaluated 2025-02-06.

Conditions:
CEP290-related disorder. Also called: CEP290-related condition; CEP290-related disorders. Identifiers: MedGen CN239314.
Joubert syndrome. Also called: CEREBELLOPARENCHYMAL DISORDER IV; JOUBERT-BOLTSHAUSER SYNDROME; Familial aplasia of the vermis. Identifiers: Orphanet 475, MedGen C5979921, MONDO:0018772.
Nephronophthisis. Also called: Juvenile Nephronophthisis. Identifiers: Orphanet 655, MedGen C0687120, MONDO:0019005, HP:0000090.
Meckel-Gruber syndrome. Also called: DYSENCEPHALIA SPLANCHNOCYSTICA; GRUBER SYNDROME; Dysencephalia splachnocystica. Identifiers: Orphanet 564, MedGen C0265215, MONDO:0018921.

Submissions (2):

Labcorp Genetics (formerly Invitae), Labcorp
Classification: Likely benign for Joubert syndrome; Meckel-Gruber syndrome; Nephronophthisis. Last evaluated: 2025-02-06. Review status: criteria provided, single submitter. Criteria: Invitae Variant Classification Sherloc (09022015). Collection method: clinical testing. Allele origin: germline.

PreventionGenetics, part of Exact Sciences
Classification: Likely benign for CEP290-related condition. Last evaluated: 2020-12-15. Review status: no assertion criteria provided. Collection method: clinical testing. Allele origin: germline. Not counted in ClinVar's aggregate classification.
Comment: This variant is classified as likely benign based on ACMG/AMP sequence variant interpretation guidelines (Richards et al. 2015 PMID: 25741868, with internal and published modifications).

NM_025114.4(CEP290):c.7209+7_7209+10del

Gene: CEP290 (centrosomal protein 290; minus strand). Cytogenetic location: 12q21.32.
Variant type: Deletion.
Coding change: c.7209+7_7209+10del on transcript NM_025114.4 (MANE Select); bases 7 to 10 of the intron after coding-DNA position 7209, 4 bases deleted (TTTA; older notation c.7209+7_7209+10delTTTA).
Molecular consequence: intron variant.
Genome position (GRCh38, 1-based): chr12:88,050,344-88,050,347, TAAA deleted on the plus strand (TTTA on the coding strand, the reverse complement: CEP290 is on the minus strand); deleting any 4 consecutive bases within chr12:88,050,344-88,050,349 gives the same sequence; the c. name uses the placement nearest the transcript's 3' end. VCF-style (leftmost placement, unchanged base first): chr12-88050343-TTAAA-T. GRCh37 (hg19) VCF-style: chr12-88444120-TTAAA-T.
Other names: c.7209+7_7209+10delTTTA (NM_025114.3).
Identifiers: ClinVar variation 2936483 (VCV002936483.4), dbSNP rs779880515, ClinGen allele CA6711327.
Genomic context (GRCh38, chr12:88,050,343, plus strand): 5'-AAAGATGGTAATGAAAATAGTTTTCAACAGCTGTTTTCACAAAACGATACTAAAATATAA[TTAAA>T]TATTACCTTCAAATGCTGCTTTTCTAGATCTGACATTTTGAGCTGTGTCTCTAGATCTTT-3'